The following is an entry in ClinVar:

NM_001048174.2(MUTYH):c.679A>G (p.Ser227Gly)

Gene: MUTYH (mutY DNA glycosylase; minus strand). Cytogenetic location: 1p34.1.
Variant type: single nucleotide variant.
Coding change: c.679A>G on transcript NM_001048174.2 (MANE Select); coding-DNA position 679, A replaced by G.
Protein change: p.Ser227Gly; replaces serine 227 with glycine.
Molecular consequence: missense variant. On other transcripts: non-coding transcript variant (2).
Genome position (GRCh38, 1-based): chr1:45,332,416, T>C on the plus strand (A>G on the coding strand, the complement: MUTYH is on the minus strand). VCF-style: chr1-45332416-T-C. GRCh37 (hg19) VCF-style: chr1-45798088-T-C.
Other names: c.679A>G, p.Ser227Gly (NM_001048171.2, NM_001048173.2, NM_001293195.2); c.682A>G, p.Ser228Gly (NM_001048172.2); c.763A>G, p.Ser255Gly (NM_001128425.2); c.724A>G, p.Ser242Gly (NM_001293190.2); c.712A>G, p.Ser238Gly (NM_001293191.2); c.403A>G, p.Ser135Gly (NM_001293192.2, NM_001293196.2); c.334A>G, p.Ser112Gly (NM_001350650.2, NM_001350651.2); c.754A>G, p.Ser252Gly (NM_012222.3); short protein forms S135G, S227G, S255G, S242G, S252G, S112G, S228G, S238G.
Identifiers: ClinVar variation 653491 (VCV000653491.15), dbSNP rs1570407081, ClinGen allele CA340134797.

ClinVar aggregate classification (germline): Conflicting classifications of pathogenicity. Review status: criteria provided, conflicting classifications (1 of 4 stars). 3 submissions from 3 submitters: Uncertain significance (2); Benign (1). Last evaluated 2025-10-02.

Conditions:
Hereditary cancer-predisposing syndrome. Also called: Tumor predisposition; Neoplastic Syndromes, Hereditary; Hereditary Cancer Syndrome; Hereditary neoplastic syndrome. Identifiers: Orphanet 140162, MedGen C0027672, MeSH D009386, MONDO:0015356.
Familial adenomatous polyposis 2. Also called: COLORECTAL ADENOMATOUS POLYPOSIS, AUTOSOMAL RECESSIVE; ADENOMAS, MULTIPLE COLORECTAL, AUTOSOMAL RECESSIVE; MYH-associated polyposis; MUTYH Polyposis; Adenomas, multiple colorectal; MUTYH-associated polyposis. Identifiers: Orphanet 220460, Orphanet 247798, MedGen C3272841, MONDO:0012041, OMIM 608456.

Submissions (3):

Labcorp Genetics (formerly Invitae), Labcorp
Classification: Uncertain significance for Familial adenomatous polyposis 2. Last evaluated: 2025-10-02. Review status: criteria provided, single submitter. Criteria: Invitae Variant Classification Sherloc (09022015). Collection method: clinical testing. Allele origin: germline.
Comment: This sequence change replaces serine, which is neutral and polar, with glycine, which is neutral and non-polar, at codon 255 of the MUTYH protein (p.Ser255Gly). This variant is not present in population databases (gnomAD no frequency). This variant has not been reported in the literature in individuals affected with MUTYH-related conditions. ClinVar contains an entry for this variant (Variation ID: 653491). An algorithm developed to predict the effect of missense changes on protein structure and function (PolyPhen-2) suggests that this variant is likely to be tolerated. In summary, the available evidence is currently insufficient to determine the role of this variant in disease. Therefore, it has been classified as a Variant of Uncertain Significance.

Ambry Genetics
Classification: Benign for Hereditary cancer-predisposing syndrome. Last evaluated: 2025-09-16. Review status: criteria provided, single submitter. Criteria: Ambry Variant Classification Scheme 2023. Collection method: clinical testing. Allele origin: germline.

Color Diagnostics, LLC DBA Color Health
Classification: Uncertain significance for Hereditary cancer-predisposing syndrome. Last evaluated: 2019-01-15. Review status: criteria provided, single submitter. Criteria: ACMG Guidelines, 2015. Collection method: clinical testing. Allele origin: germline.